The following is an entry in ClinVar:

NM_005228.5(EGFR):c.1722G>C (p.Arg574=)

Gene: EGFR (epidermal growth factor receptor; plus strand). Cytogenetic location: 7p11.2.
Variant type: single nucleotide variant.
Coding change: c.1722G>C on transcript NM_005228.5 (MANE Select); coding-DNA position 1722, G replaced by C.
Protein change: p.Arg574=; no amino-acid change (arginine 574 retained).
Molecular consequence: synonymous variant.
Genome position (GRCh38, 1-based): chr7:55,163,823, G>C. VCF-style: chr7-55163823-G-C. GRCh37 (hg19) VCF-style: chr7-55231516-G-C.
Other names: c.1587G>C, p.Arg529= (NM_001346897.2, NM_001346899.2); c.1722G>C, p.Arg574= (NM_001346898.2, NM_201282.2, NM_201284.2); c.1563G>C, p.Arg521= (NM_001346900.2); c.921G>C, p.Arg307= (NM_001346941.2).
Identifiers: ClinVar variation 3659621 (VCV003659621.2).

ClinVar aggregate classification (germline): Uncertain significance (1 of 4 stars; one submission).

Conditions:
EGFR-related lung cancer (EGFR). Identifiers: MedGen CN130014.

Submission:

Labcorp Genetics (formerly Invitae), Labcorp
Classification: Uncertain significance for EGFR-related lung cancer. Last evaluated: 2024-07-16. Review status: criteria provided, single submitter. Criteria: Invitae Variant Classification Sherloc (09022015). Collection method: clinical testing. Allele origin: germline.
Comment: This sequence change affects codon 574 of the EGFR mRNA. It is a 'silent' change, meaning that it does not change the encoded amino acid sequence of the EGFR protein. This variant also falls at the last nucleotide of exon 14, which is part of the consensus splice site for this exon. This variant is not present in population databases (gnomAD no frequency). This variant has not been reported in the literature in individuals affected with EGFR-related conditions. Variants that disrupt the consensus splice site are a relatively common cause of aberrant splicing (PMID: 17576681, 9536098). Algorithms developed to predict the effect of sequence changes on RNA splicing suggest that this variant may disrupt the consensus splice site. In summary, the available evidence is currently insufficient to determine the role of this variant in disease. Therefore, it has been classified as a Variant of Uncertain Significance.

Literature cited by the submitters: PubMed 17576681; PubMed 9536098.